The following is an entry in ClinVar:

ClinVar aggregate classification (germline): Uncertain significance. Review status: criteria provided, multiple submitters, no conflicts (2 of 4 stars). 2 submissions from 2 submitters: Uncertain significance (2). Last evaluated 2025-04-30.

Conditions:
MEGF8-related Carpenter syndrome. Also called: Carpenter syndrome 2. Identifiers: Orphanet 65759, MedGen C3554247, MONDO:0013998, OMIM 614976.
Inborn genetic diseases. Identifiers: MedGen C0950123, MeSH D030342.

Submissions (2):

Ambry Genetics
Classification: Uncertain significance for Inborn genetic diseases. Last evaluated: 2025-04-30. Review status: criteria provided, single submitter. Criteria: Ambry Variant Classification Scheme 2023. Collection method: clinical testing. Allele origin: germline.

Labcorp Genetics (formerly Invitae), Labcorp
Classification: Uncertain significance for MEGF8-related Carpenter syndrome. Last evaluated: 2024-05-06. Review status: criteria provided, single submitter. Criteria: Invitae Variant Classification Sherloc (09022015). Collection method: clinical testing. Allele origin: germline.
Comment: This sequence change replaces leucine, which is neutral and non-polar, with phenylalanine, which is neutral and non-polar, at codon 250 of the MEGF8 protein (p.Leu250Phe). This variant is present in population databases (no rsID available, gnomAD 0.004%). This variant has not been reported in the literature in individuals affected with MEGF8-related conditions. ClinVar contains an entry for this variant (Variation ID: 650742). An algorithm developed to predict the effect of missense changes on protein structure and function (PolyPhen-2) suggests that this variant is likely to be disruptive. In summary, the available evidence is currently insufficient to determine the role of this variant in disease. Therefore, it has been classified as a Variant of Uncertain Significance.

NM_001271938.2(MEGF8):c.748C>T (p.Leu250Phe)

Gene: MEGF8 (multiple EGF like domains 8; plus strand). Cytogenetic location: 19q13.2.
Variant type: single nucleotide variant.
Coding change: c.748C>T on transcript NM_001271938.2 (MANE Select); coding-DNA position 748, C replaced by T.
Protein change: p.Leu250Phe; replaces leucine 250 with phenylalanine.
Molecular consequence: missense variant.
Genome position (GRCh38, 1-based): chr19:42,335,305, C>T. VCF-style: chr19-42335305-C-T. GRCh37 (hg19) VCF-style: chr19-42839457-C-T.
Other names: c.748C>T, p.Leu250Phe (NM_001410.3); short protein forms L250F.
Identifiers: ClinVar variation 650742 (VCV000650742.9), dbSNP rs773064133, ClinGen allele CA406082701.